The following is an entry in ClinVar:

NM_001220.5(CAMK2B):c.1701G>A (p.Ser567=)

Gene: CAMK2B (calcium/calmodulin dependent protein kinase II beta; minus strand). Cytogenetic location: 7p13.
Variant type: single nucleotide variant.
Coding change: c.1701G>A on transcript NM_001220.5 (MANE Select); coding-DNA position 1701, G replaced by A.
Protein change: p.Ser567=; no amino-acid change (serine 567 retained).
Molecular consequence: synonymous variant. On other transcripts: intron variant (1).
Genome position (GRCh38, 1-based): chr7:44,220,683, C>T on the plus strand (G>A on the coding strand, the complement: CAMK2B is on the minus strand). VCF-style: chr7-44220683-C-T. GRCh37 (hg19) VCF-style: chr7-44260282-C-T.
Other names: c.1329G>A, p.Ser443= (NM_001293170.2, NM_172078.3); c.1257G>A, p.Ser419= (NM_172079.3); c.1254G>A, p.Ser418= (NM_172080.3); c.1212G>A, p.Ser404= (NM_172081.3); c.1140G>A, p.Ser380= (NM_172083.3); c.1050G>A, p.Ser350= (NM_172084.3); c.1230-51G>A (NM_172082.3).
Identifiers: ClinVar variation 1454876 (VCV001454876.21), dbSNP rs368997598, ClinGen allele CA4240126.
Genomic context (GRCh38, chr7:44,220,683, plus strand): 5'-GAAGTAGAATCTGTGGAAGTCCATCCCTTCAACCAGGTTGCCCAGTGCTTCAGGCTCAAA[C>T]GAGGTCAGCCCTGGGTCACAGATTTTCCTGGGGGCCAAATCCAAGTGAGGAGGGGCCCCG-3'
Protein context (NP_001211.3, residues 557-577): YAKICDPGLT[Ser567=]FEPEALGNLV

ClinVar aggregate classification (germline): Likely benign. Review status: criteria provided, multiple submitters, no conflicts (2 of 4 stars). 2 submissions from 2 submitters: Likely benign (2). Last evaluated 2025-11-17.

Allele frequency attached by ClinVar (database versions not stated): gnomAD 0.00003 and 0.00004; gnomAD exomes 0.00003 and 0.00006; ExAC 0.00005; TOPMed 0.00005; ESP Exome Variant Server 0.00008.

Submissions (2):

Labcorp Genetics (formerly Invitae), Labcorp
Classification: Likely benign. Last evaluated: 2025-11-17. Review status: criteria provided, single submitter. Criteria: Invitae Variant Classification Sherloc (09022015). Collection method: clinical testing. Allele origin: germline.

CeGaT Center for Human Genetics Tuebingen
Classification: Likely benign. Last evaluated: 2024-12-01. Review status: criteria provided, single submitter. Criteria: CeGaT Center For Human Genetics Tuebingen Variant Classification Criteria Version 2. Collection method: clinical testing. Allele origin: germline. Affected: yes. Observed: 1 variant allele.
Comment: CAMK2B: BP4, BP7